The following is an entry in ClinVar:

ClinVar aggregate classification (germline): Uncertain significance (1 of 4 stars; one submission).

Submission:

GeneDx
Classification: Uncertain significance. Last evaluated: 2022-09-02. Review status: criteria provided, single submitter. Criteria: GeneDx Variant Classification Process June 2021. Collection method: clinical testing. Allele origin: germline. Affected: yes.
Comment: Not observed at significant frequency in large population cohorts (gnomAD); In silico analysis supports that this missense variant does not alter protein structure/function; Has not been previously published as pathogenic or benign to our knowledge

NM_015267.4(CUX2):c.2322G>C (p.Lys774Asn)

Gene: CUX2 (cut like homeobox 2; plus strand). Cytogenetic location: 12q24.12.
Variant type: single nucleotide variant.
Coding change: c.2322G>C on transcript NM_015267.4 (MANE Select); coding-DNA position 2322, G replaced by C.
Protein change: p.Lys774Asn; replaces lysine 774 with asparagine.
Molecular consequence: missense variant.
Genome position (GRCh38, 1-based): chr12:111,320,331, G>C. VCF-style: chr12-111320331-G-C. GRCh37 (hg19) VCF-style: chr12-111758135-G-C.
Other names: c.2136G>C, p.Lys712Asn (NM_001370598.1); short protein forms K712N, K774N.
Identifiers: ClinVar variation 2442582 (VCV002442582.1), dbSNP rs2499867982, ClinGen allele CA386712620.
Genomic context (GRCh38, chr12:111,320,331, plus strand): 5'-CGCGCAGGCGCCGCTCCCGGTCCTGTCCCCCGCCGCCTTCGTGCAGAGCATCATCCGCAA[G>C]GTCAAGTCCGAGATCGGCGACGCCGGCTACTTCGACCACCACTGGGCCTCCGACCGCGGC-3'
Protein context (NP_056082.2, residues 764-784): PAAFVQSIIR[Lys774Asn]VKSEIGDAGY